The following is an entry in ClinVar:

NM_001197104.2(KMT2A):c.5269G>T (p.Val1757Phe)

Gene: KMT2A (lysine methyltransferase 2A; plus strand). Cytogenetic location: 11q23.3.
Variant type: single nucleotide variant.
Coding change: c.5269G>T on transcript NM_001197104.2 (MANE Select); coding-DNA position 5269, G replaced by T.
Protein change: p.Val1757Phe; replaces valine 1757 with phenylalanine.
Molecular consequence: missense variant.
Genome position (GRCh38, 1-based): chr11:118,494,378, G>T. VCF-style: chr11-118494378-G-T. GRCh37 (hg19) VCF-style: chr11-118365093-G-T.
Other names: c.5359G>T, p.Val1787Phe (NM_001412597.1); c.5260G>T, p.Val1754Phe (NM_005933.4); short protein forms V1787F, V1754F, V1757F.
Identifiers: ClinVar variation 2804778 (VCV002804778.3), dbSNP rs1555043363, ClinGen allele CA382837666.
Genomic context (GRCh38, chr11:118,494,378, plus strand): 5'-ATTCAAGCAGCCATTAATTCAGATGGAGGACAGCCAGAAATTAAAAAAGCCAACAGCATG[G>T]TCAAGTCCTTCTTCATTCGGGTGAATGATATTACTAATTCATGTTTTTAATGCTTACCTA-3'
Protein context (NP_001184033.1, residues 1747-1767): QPEIKKANSM[Val1757Phe]KSFFIRQMER

ClinVar aggregate classification (germline): Uncertain significance (1 of 4 stars; one submission).

Submission:

Labcorp Genetics (formerly Invitae), Labcorp
Classification: Uncertain significance. Last evaluated: 2023-12-15. Review status: criteria provided, single submitter. Criteria: Invitae Variant Classification Sherloc (09022015). Collection method: clinical testing. Allele origin: germline.
Comment: This sequence change replaces valine, which is neutral and non-polar, with phenylalanine, which is neutral and non-polar, at codon 1757 of the KMT2A protein (p.Val1757Phe). The frequency data for this variant in the population databases is considered unreliable, as metrics indicate poor data quality at this position in the gnomAD database. This variant has not been reported in the literature in individuals affected with KMT2A-related conditions. Advanced modeling of protein sequence and biophysical properties (such as structural, functional, and spatial information, amino acid conservation, physicochemical variation, residue mobility, and thermodynamic stability) performed at Invitae indicates that this missense variant is not expected to disrupt KMT2A protein function with a negative predictive value of 95%. In summary, the available evidence is currently insufficient to determine the role of this variant in disease. Therefore, it has been classified as a Variant of Uncertain Significance.